The following is an entry in ClinVar:

ClinVar aggregate classification (germline): Uncertain significance (1 of 4 stars; one submission).

Submission:

Ambry Genetics
Classification: Uncertain significance. Last evaluated: 2025-02-23. Review status: criteria provided, single submitter. Criteria: Ambry Variant Classification Scheme 2023. Collection method: clinical testing. Allele origin: germline.
Comment: The p.Y793F variant (also known as c.2378A>T), located in coding exon 22 of the KIF1B gene, results from an A to T substitution at nucleotide position 2378. The tyrosine at codon 793 is replaced by phenylalanine, an amino acid with highly similar properties. This amino acid position is conserved. In addition, the in silico prediction for this alteration is inconclusive. Based on the available evidence, the clinical significance of this variant remains unclear.

NM_001365951.3(KIF1B):c.2516A>T (p.Tyr839Phe)

Gene: KIF1B (kinesin family member 1B; plus strand). Cytogenetic location: 1p36.22.
Variant type: single nucleotide variant.
Coding change: c.2516A>T on transcript NM_001365951.3 (MANE Select); coding-DNA position 2516, A replaced by T.
Protein change: p.Tyr839Phe; replaces tyrosine 839 with phenylalanine.
Molecular consequence: missense variant.
Genome position (GRCh38, 1-based): chr1:10,324,041, A>T. VCF-style: chr1-10324041-A-T. GRCh37 (hg19) VCF-style: chr1-10384099-A-T.
Other names: c.2516A>T, p.Tyr839Phe (NM_001365952.1); c.2378A>T, p.Tyr793Phe (NM_015074.3); short protein forms Y839F, Y793F.
Identifiers: ClinVar variation 3864107 (VCV003864107.1).